The following is an entry in ClinVar:

NM_007254.4(PNKP):c.1263C>G (p.Ile421Met)

Gene: PNKP (polynucleotide kinase 3'-phosphatase; minus strand). Cytogenetic location: 19q13.33.
Variant type: single nucleotide variant.
Coding change: c.1263C>G on transcript NM_007254.4 (MANE Select); coding-DNA position 1263, C replaced by G.
Protein change: p.Ile421Met; replaces isoleucine 421 with methionine.
Molecular consequence: missense variant.
Genome position (GRCh38, 1-based): chr19:49,861,807, G>C on the plus strand (C>G on the coding strand, the complement: PNKP is on the minus strand). VCF-style: chr19-49861807-G-C. GRCh37 (hg19) VCF-style: chr19-50365064-G-C.
Other names: short protein forms I421M.
Identifiers: ClinVar variation 2143628 (VCV002143628.1), dbSNP rs758836805, ClinGen allele CA406933464.
Genomic context (GRCh38, chr19:49,861,807, plus strand): 5'-ACCTACGGCCCCGCGGTCACGCTACCTGGCGCGGCTCGCGGCGTCTGGGTTTGTGTTGTC[G>C]ATGGCGACCCGTTTCCCTTGCTTCAGGGCTGTCTCACACGTGGTCACACAGCGCTGCCAG-3'
Protein context (NP_009185.2, residues 411-431): TALKQGKRVA[Ile421Met]DNTNPDAASR

ClinVar aggregate classification (germline): Uncertain significance (1 of 4 stars; one submission).

Conditions:
Developmental and epileptic encephalopathy, 12 (DEE12). Identifiers: MedGen C3150988, MONDO:0013389, OMIM 613722.

gnomAD v4.1: 3 of 1,579,662 alleles (0.00019%); highest among the groups gnomAD compares: Admixed American, 0.0018%; no homozygotes.

Submission:

Labcorp Genetics (formerly Invitae), Labcorp
Classification: Uncertain significance for Developmental and epileptic encephalopathy, 12. Last evaluated: 2021-12-22. Review status: criteria provided, single submitter. Criteria: Invitae Variant Classification Sherloc (09022015). Collection method: clinical testing. Allele origin: germline.
Comment: This sequence change replaces isoleucine, which is neutral and non-polar, with methionine, which is neutral and non-polar, at codon 421 of the PNKP protein (p.Ile421Met). The frequency data for this variant in the population databases is considered unreliable, as metrics indicate poor data quality at this position in the gnomAD database. This variant has not been reported in the literature in individuals affected with PNKP-related conditions. Algorithms developed to predict the effect of missense changes on protein structure and function are either unavailable or do not agree on the potential impact of this missense change (SIFT: "Deleterious"; PolyPhen-2: "Probably Damaging"; Align-GVGD: "Class C0"). In summary, the available evidence is currently insufficient to determine the role of this variant in disease. Therefore, it has been classified as a Variant of Uncertain Significance.